The following is an entry in ClinVar:

NM_004656.4(BAP1):c.1279G>A (p.Gly427Arg)

Gene: BAP1 (BRCA1 associated deubiquitinase 1; minus strand). Cytogenetic location: 3p21.1.
Variant type: single nucleotide variant.
Coding change: c.1279G>A on transcript NM_004656.4 (MANE Select); coding-DNA position 1279, G replaced by A.
Protein change: p.Gly427Arg; replaces glycine 427 with arginine.
Molecular consequence: missense variant.
Genome position (GRCh38, 1-based): chr3:52,403,866, C>T on the plus strand (G>A on the coding strand, the complement: BAP1 is on the minus strand). VCF-style: chr3-52403866-C-T. GRCh37 (hg19) VCF-style: chr3-52437882-C-T.
Other names: c.1279G>A (LRG_529t1); short protein forms G427R.
Identifiers: ClinVar variation 489610 (VCV000489610.14), dbSNP rs1553644999, ClinGen allele CA353102376.
Genomic context (GRCh38, chr3:52,403,866, plus strand): 5'-CGTTGATGGTGTTGGGCTGCAGCACTGACAGTTGCCCATCAGCAGAACCGCTCAATGCCC[C>T]TGGCTTCCCTGTTCCCTTCCCCTTATACCTGTGGGGCCCGAGAAGATGTGAAGCAAGGGA-3'
Protein context (NP_004647.1, residues 417-437): RYKGKGTGKP[Gly427Arg]ALSGSADGQL

ClinVar aggregate classification (germline): Uncertain significance. Review status: criteria provided, multiple submitters, no conflicts (2 of 4 stars). 3 submissions from 3 submitters: Uncertain significance (3). Last evaluated 2024-12-12.

Conditions:
BAP1-related tumor predisposition syndrome (TPDS1). Also called: Tumor susceptibility linked to germline BAP1 mutations; BAP1 tumor predisposition syndrome; COMMON Syndrome; TUMOR PREDISPOSITION SYNDROME 1. Identifiers: Orphanet 289539, MedGen C3280492, MONDO:0013692, OMIM 614327.
Hereditary cancer-predisposing syndrome. Also called: Hereditary Cancer Syndrome; Neoplastic Syndromes, Hereditary; Tumor predisposition; Hereditary neoplastic syndrome. Identifiers: Orphanet 140162, MedGen C0027672, MeSH D009386, MONDO:0015356.

Allele frequency attached by ClinVar (database versions not stated): gnomAD exomes below 0.00001.
gnomAD v4.1: 5 of 1,614,118 alleles (0.00031%); highest among the groups gnomAD compares: Non-Finnish European, 0.00042%; no homozygotes.

Submissions (3):

Labcorp Genetics (formerly Invitae), Labcorp
Classification: Uncertain significance for BAP1-related tumor predisposition syndrome. Last evaluated: 2024-12-12. Review status: criteria provided, single submitter. Criteria: Invitae Variant Classification Sherloc (09022015). Collection method: clinical testing. Allele origin: germline.
Comment: This sequence change replaces glycine, which is neutral and non-polar, with arginine, which is basic and polar, at codon 427 of the BAP1 protein (p.Gly427Arg). This variant is not present in population databases (gnomAD no frequency). This variant has not been reported in the literature in individuals affected with BAP1-related conditions. ClinVar contains an entry for this variant (Variation ID: 489610). Invitae Evidence Modeling of protein sequence and biophysical properties (such as structural, functional, and spatial information, amino acid conservation, physicochemical variation, residue mobility, and thermodynamic stability) indicates that this missense variant is not expected to disrupt BAP1 protein function with a negative predictive value of 80%. In summary, the available evidence is currently insufficient to determine the role of this variant in disease. Therefore, it has been classified as a Variant of Uncertain Significance.

Color Diagnostics, LLC DBA Color Health
Classification: Uncertain significance for Hereditary cancer-predisposing syndrome. Last evaluated: 2023-12-05. Review status: criteria provided, single submitter. Criteria: ACMG Guidelines, 2015. Collection method: clinical testing. Allele origin: germline.
Comment: This missense variant replaces glycine with arginine at codon 427 of the BAP1 protein. Computational prediction suggests that this variant may not impact protein structure and function (internally defined REVEL score threshold <= 0.5, PMID: 27666373). To our knowledge, functional studies have not been reported for this variant. This variant has not been reported in individuals affected with BAP1-related disorders in the literature. This variant has not been identified in the general population by the Genome Aggregation Database (gnomAD). The available evidence is insufficient to determine the role of this variant in disease conclusively. Therefore, this variant is classified as a Variant of Uncertain Significance.

Ambry Genetics
Classification: Uncertain significance for Hereditary cancer-predisposing syndrome. Last evaluated: 2023-06-30. Review status: criteria provided, single submitter. Criteria: Ambry Variant Classification Scheme 2023. Collection method: clinical testing. Allele origin: germline.
Comment: The p.G427R variant (also known as c.1279G>A), located in coding exon 13 of the BAP1 gene, results from a G to A substitution at nucleotide position 1279. The glycine at codon 427 is replaced by arginine, an amino acid with dissimilar properties. This amino acid position is conserved. In addition, this alteration is predicted to be tolerated by in silico analysis. Since supporting evidence is limited at this time, the clinical significance of this alteration remains unclear.